The following is an entry in ClinVar:

ClinVar aggregate classification (germline): Uncertain significance. Review status: criteria provided, multiple submitters, no conflicts (2 of 4 stars). 2 submissions from 2 submitters: Uncertain significance (2). Last evaluated 2025-10-08.

Conditions:
Inborn genetic diseases. Identifiers: MedGen C0950123, MeSH D030342.

Allele frequency attached by ClinVar (database versions not stated): ExAC 0.00003; gnomAD exomes 0.00005; TOPMed 0.00005; gnomAD 0.00015 and 0.00016.
gnomAD v4.1: 115 of 1,614,056 alleles (0.0071%); highest among the groups gnomAD compares: Middle Eastern, 0.016%; no homozygotes.

Submissions (2):

Labcorp Genetics (formerly Invitae), Labcorp
Classification: Uncertain significance. Last evaluated: 2025-10-08. Review status: criteria provided, single submitter. Criteria: Invitae Variant Classification Sherloc (09022015). Collection method: clinical testing. Allele origin: germline.
Comment: This sequence change replaces arginine, which is basic and polar, with serine, which is neutral and polar, at codon 118 of the RPIA protein (p.Arg118Ser). This variant is present in population databases (rs762433087, gnomAD 0.02%). This variant has not been reported in the literature in individuals affected with RPIA-related conditions. ClinVar contains an entry for this variant (Variation ID: 1406978). Invitae Evidence Modeling of protein sequence and biophysical properties (such as structural, functional, and spatial information, amino acid conservation, physicochemical variation, residue mobility, and thermodynamic stability) indicates that this missense variant is not expected to disrupt RPIA protein function with a negative predictive value of 80%. In summary, the available evidence is currently insufficient to determine the role of this variant in disease. Therefore, it has been classified as a Variant of Uncertain Significance.

Ambry Genetics
Classification: Uncertain significance for Inborn genetic diseases. Last evaluated: 2021-07-06. Review status: criteria provided, single submitter. Criteria: Ambry Variant Classification Scheme 2023. Collection method: clinical testing. Allele origin: germline.

NM_144563.3(RPIA):c.354G>C (p.Arg118Ser)

Gene: RPIA (ribose 5-phosphate isomerase A; plus strand). Cytogenetic location: 2p11.2.
Variant type: single nucleotide variant.
Coding change: c.354G>C on transcript NM_144563.3 (MANE Select); coding-DNA position 354, G replaced by C.
Protein change: p.Arg118Ser; replaces arginine 118 with serine.
Molecular consequence: missense variant.
Genome position (GRCh38, 1-based): chr2:88,700,016, G>C. VCF-style: chr2-88700016-G-C. GRCh37 (hg19) VCF-style: chr2-88999534-G-C.
Other names: c.354G>C (NM_144563.2); short protein forms R118S.
Identifiers: ClinVar variation 1406978 (VCV001406978.9), dbSNP rs762433087, ClinGen allele CA1755166.